The following is an entry in ClinVar:

ClinVar aggregate classification (germline): Uncertain significance (1 of 4 stars; one submission).

Conditions:
Epidermolysis bullosa simplex with nail dystrophy (EBS5D). Identifiers: MedGen C4225309, MONDO:0014661, OMIM 616487.
Epidermolysis bullosa simplex, Ogna type (EBS5A). Also called: Pidermolysis bullosa simplex 5A, Ogna type; EPIDERMOLYSIS BULLOSA SIMPLEX 5A, OGNA TYPE. Identifiers: Orphanet 79401, MedGen C0432317, MONDO:0007555, OMIM 131950.
Epidermolysis bullosa simplex 5B, with muscular dystrophy (EBS5B). Also called: Epidermolysis bullosa simplex with muscular dystrophy; EPIDERMOLYSIS BULLOSA SIMPLEX AND LIMB-GIRDLE MUSCULAR DYSTROPHY. Identifiers: Orphanet 257, MedGen C2931072, MONDO:0009181, OMIM 226670.
Autosomal recessive limb-girdle muscular dystrophy type 2Q (LGMDR17). Also called: MUSCULAR DYSTROPHY, LIMB-GIRDLE, AUTOSOMAL RECESSIVE 17. Identifiers: Orphanet 254361, MedGen C3150989, MONDO:0013390, OMIM 613723.
Epidermolysis bullosa simplex 5C, with pyloric atresia (EBS5C). Also called: PLEC-Related Epidermolysis Bullosa with Pyloric Atresia; Epidermolysis bullosa simplex with pyloric atresia; PLEC1-Related Epidermolysis Bullosa with Pyloric Atresia. Identifiers: Orphanet 158684, MedGen C2677349, MONDO:0012807, OMIM 612138.

Submission:

Labcorp Genetics (formerly Invitae), Labcorp
Classification: Uncertain significance for Autosomal recessive limb-girdle muscular dystrophy type 2Q; Epidermolysis bullosa simplex, Ogna type; Epidermolysis bullosa simplex with nail dystrophy; Epidermolysis bullosa simplex 5C, with pyloric atresia; Epidermolysis bullosa simplex 5B, with muscular dystrophy. Last evaluated: 2025-04-22. Review status: criteria provided, single submitter. Criteria: Invitae Variant Classification Sherloc (09022015). Collection method: clinical testing. Allele origin: germline.
Comment: This sequence change replaces aspartic acid, which is acidic and polar, with histidine, which is basic and polar, at codon 443 of the PLEC protein (p.Asp443His). This variant is not present in population databases (gnomAD no frequency). This variant has not been reported in the literature in individuals affected with PLEC-related conditions. Experimental studies and prediction algorithms are not available or were not evaluated, and the functional significance of this variant is currently unknown. In summary, the available evidence is currently insufficient to determine the role of this variant in disease. Therefore, it has been classified as a Variant of Uncertain Significance.

NM_201384.3(PLEC):c.1246G>C (p.Asp416His)

Genes: PLEC (plectin; minus strand), LOC130001334 (ATAC-STARR-seq lymphoblastoid silent region 19628; plus strand). Cytogenetic location: 8q24.3.
Variant type: single nucleotide variant.
Coding change: c.1246G>C on transcript NM_201384.3 (MANE Select); coding-DNA position 1246, G replaced by C.
Protein change: p.Asp416His; replaces aspartic acid 416 with histidine.
Molecular consequence: missense variant.
Genome position (GRCh38, 1-based): chr8:143,934,015, C>G on the plus strand (G>C on the coding strand, the complement: PLEC is on the minus strand). VCF-style: chr8-143934015-C-G. GRCh37 (hg19) VCF-style: chr8-145008183-C-G.
Other names: c.1327G>C, p.Asp443His (NM_000445.5, NM_001410941.1); c.1204G>C, p.Asp402His (NM_201378.4); c.1180G>C, p.Asp394His (NM_201379.3); c.1657G>C, p.Asp553His (NM_201380.4); c.1150G>C, p.Asp384His (NM_201381.3); c.1246G>C, p.Asp416His (NM_201382.4); c.1258G>C, p.Asp420His (NM_201383.3); short protein forms D416H, D420H, D384H, D394H, D443H, D553H, D402H.
Identifiers: ClinVar variation 4784569 (VCV004784569.1).
Genomic context (GRCh38, chr8:143,934,015, plus strand): 5'-TCCGGCCTCCCTCCCGCCCACTGCCTGCCCCACACCCCCTCACCGACTGCAGCAGGGCGT[C>G]GGCCTGGTTCAGCTGCTCCTCACACAGCCCCGCCTCCATCTGCAGCTTGGTCACGATGCG-3'
Protein context (NP_958786.1, residues 406-426): GLCEEQLNQA[Asp416His]ALLQSDVRLL